The following is an entry in ClinVar:

NM_003235.5(TG):c.2977G>A (p.Ala993Thr)

Gene: TG (thyroglobulin; plus strand). Cytogenetic location: 8q24.22.
Variant type: single nucleotide variant.
Coding change: c.2977G>A on transcript NM_003235.5 (MANE Select); coding-DNA position 2977, G replaced by A.
Protein change: p.Ala993Thr; replaces alanine 993 with threonine.
Molecular consequence: missense variant.
Genome position (GRCh38, 1-based): chr8:132,893,905, G>A. VCF-style: chr8-132893905-G-A. GRCh37 (hg19) VCF-style: chr8-133906150-G-A.
Other names: short protein forms A993T.
Identifiers: ClinVar variation 361934 (VCV000361934.15), dbSNP rs142998186, ClinGen allele CA4883554.

ClinVar aggregate classification (germline): Uncertain significance. Review status: criteria provided, multiple submitters, no conflicts (2 of 4 stars). 4 submissions from 4 submitters: Uncertain significance (4). Last evaluated 2026-03-01.

Conditions:
Iodotyrosyl coupling defect (TDH3). Also called: HYPOTHYROIDISM, CONGENITAL, DUE TO DYSHORMONOGENESIS, 3; THYROID HORMONOGENESIS, GENETIC DEFECT IN, 3. Identifiers: Orphanet 95716, MedGen C0342194, MONDO:0010135, OMIM 274700.

Allele frequency attached by ClinVar (database versions not stated): TOPMed 0.00022; gnomAD exomes 0.00031 and 0.00032; ExAC 0.00033; gnomAD 0.00040 and 0.00042; ESP Exome Variant Server 0.00046.
gnomAD v4.1: 522 of 1,613,918 alleles (0.032%); highest among the groups gnomAD compares: Non-Finnish European, 0.039%; 1 homozygote.

Submissions (4):

CeGaT Center for Human Genetics Tuebingen
Classification: Uncertain significance. Last evaluated: 2026-03-01. Review status: criteria provided, single submitter. Criteria: CeGaT Center For Human Genetics Tuebingen Variant Classification Criteria Version 2. Collection method: clinical testing. Allele origin: germline. Affected: yes. Observed: 2 variant alleles.

Women's Health and Genetics/Laboratory Corporation of America, LabCorp
Classification: Uncertain significance. Last evaluated: 2025-01-28. Review status: criteria provided, single submitter. Criteria: LabCorp Variant Classification Summary - May 2015. Collection method: clinical testing. Allele origin: germline.
Comment: Variant summary: TG c.2977G>A (p.Ala993Thr) results in a non-conservative amino acid change in the encoded protein sequence. Three of five in-silico tools predict a damaging effect of the variant on protein function. The variant allele was found at a frequency of 0.00032 in 1613918 control chromosomes in the gnomAD database, including 1 homozygotes. This frequency is not significantly higher than estimated for a pathogenic variant in TG causing TG-Related Disorders, allowing no conclusion about variant significance. c.2977G>A has been reported in the literature in the heterozygous state individuals affected with severe congenital hypothyroidism, one of whome also carried a heterozygous variant in a different gene associated with hypothyroidism (Makretskaya_2018). These report(s) do not provide unequivocal conclusions about association of the variant with TG-Related Disorders. To our knowledge, no experimental evidence demonstrating an impact on protein function has been reported. The following publication have been ascertained in the context of this evaluation (PMID: 30240412). ClinVar contains an entry for this variant (Variation ID: 361934). Based on the evidence outlined above, the variant was classified as uncertain significance.

Revvity Omics, Revvity
Classification: Uncertain significance for Iodotyrosyl coupling defect. Last evaluated: 2021-07-15. Review status: criteria provided, single submitter. Criteria: ACMG Guidelines, 2015. Collection method: clinical testing. Allele origin: germline.

Illumina Laboratory Services, Illumina
Classification: Uncertain significance for Iodotyrosyl coupling defect. Last evaluated: 2018-01-12. Review status: criteria provided, single submitter. Criteria: ICSL Variant Classification Criteria 13 December 2019. Collection method: clinical testing. Allele origin: germline.

Literature cited by the submitters: PubMed 30240412 (cited by Women's Health and Genetics/Laboratory Corporation of America, LabCorp).